The following is an entry in ClinVar:

ClinVar aggregate classification (germline): Uncertain significance. Review status: reviewed by expert panel (3 of 4 stars). 4 submissions from 4 submitters: Uncertain significance (1). 3 of the submissions do not count toward it. Last evaluated 2024-05-13.

Conditions:
Combined immunodeficiency with skin granulomas. Identifiers: Orphanet 157949, MedGen C2673536, MONDO:0009306, OMIM 233650.
Severe combined immunodeficiency, autosomal recessive, T cell-negative, B cell-negative, NK cell-positive. Also called: SCID, T CELL-NEGATIVE, B CELL-NEGATIVE, NK CELL-POSITIVE; SCID, AR, T-cell negative, B-cell negative, NK cell-positive; Severe combined immunodeficiency due to complete RAG1/2 deficiency. Identifiers: Orphanet 331206, MedGen C1832322, MONDO:0011086, OMIM 601457.
Recombinase activating gene 2 deficiency. Also called: RAG2 deficiency. Identifiers: MedGen CN257931, MONDO:0000573.
Inborn genetic diseases. Identifiers: MedGen C0950123, MeSH D030342.

Allele frequency attached by ClinVar (database versions not stated): gnomAD exomes below 0.00001; TOPMed below 0.00001.
gnomAD v4.1: 2 of 1,614,200 alleles (0.00012%); highest among the groups gnomAD compares: Non-Finnish European, 0.00017%; no homozygotes.

Submissions (4):

ClinGen Severe Combined Immunodeficiency Variant Curation Expert Panel, ClinGen
Classification: Uncertain significance for Recombinase activating gene 2 deficiency. Last evaluated: 2024-05-13. Review status: reviewed by expert panel. Criteria: ClinGen SCID ACMG Specifications RAG2 V1.0.0. Collection method: curation. Allele origin: germline. Inheritance: Autosomal recessive inheritance.
Comment: The c.302A>G (NM_000536.4) variant in RAG2 is a missense variant predicted to cause the substitution of Asparagine by Serine at amino acid 101 (p.Asn101Ser). The filtering allele frequency (the upper threshold of the 95% CI of 2/1112008 alleles) of the c.302A>G variant in RAG2 is 0.0000003 for European (non-Finnish) chromosomes by gnomAD v4, which is lower than the ClinGen SCID threshold (<0.0000588) for PM2_Supporting, and therefore meets this criterion (PM2_Supporting). This variant is located in the core domain, amino acids 1-383 of RAG2, which is defined as a critical functional domain by the ClinGen SCID VCEP (PMID: 26996199); PM1_Supporting. To our knowledge, this variant has not been reported in the literature in individuals affected with RAG2-related conditions or in functional studies. In summary, this variant meets the criteria to be classified as a variant of uncertain significance for autosomal recessive recombinase activating gene 2 deficiency based on the ACMG/AMP criteria applied, as specified by the ClinGen SCID VCEP: PM2_Supporting and PM1_Supporting (VCEP specifications version 1).

Myriad Genetics, Inc.
Classification: Uncertain significance for Recombinase activating gene 2 deficiency. Last evaluated: 2026-01-13. Review status: criteria provided, single submitter. Criteria: Myriad Autosomal Dominant, Autosomal Recessive and X-Linked Classification Criteria (2023). Collection method: clinical testing. Allele origin: unknown. Not counted in ClinVar's aggregate classification.
Comment: NM_001243785.1(RAG2):c.302A>G(N101S) is a missense variant classified as a variant of uncertain significance in the context of severe combined immunodeficiency, RAG2-related. N101S has not been observed in cases with relevant disease. Relevant functional assessments of this variant are not available in the literature. N101S has not been observed in referenced population frequency databases. In summary, there is insufficient evidence to classify NM_001243785.1(RAG2):c.302A>G(N101S) as pathogenic or benign. Please note: this variant was assessed in the context of healthy population screening.

Labcorp Genetics (formerly Invitae), Labcorp
Classification: Likely pathogenic for Combined immunodeficiency with skin granulomas; Severe combined immunodeficiency, autosomal recessive, T cell-negative, B cell-negative, NK cell-positive. Last evaluated: 2023-10-07. Review status: criteria provided, single submitter. Criteria: Invitae Variant Classification Sherloc (09022015). Collection method: clinical testing. Allele origin: germline. Not counted in ClinVar's aggregate classification.
Comment: This sequence change replaces asparagine, which is neutral and polar, with serine, which is neutral and polar, at codon 101 of the RAG2 protein (p.Asn101Ser). This variant is not present in population databases (gnomAD no frequency). This variant has not been reported in the literature in individuals affected with RAG2-related conditions. ClinVar contains an entry for this variant (Variation ID: 2163677). Advanced modeling of protein sequence and biophysical properties (such as structural, functional, and spatial information, amino acid conservation, physicochemical variation, residue mobility, and thermodynamic stability) performed at Invitae indicates that this missense variant is expected to disrupt RAG2 protein function. This variant disrupts the p.Asn101 amino acid residue in RAG2. Other variant(s) that disrupt this residue have been determined to be pathogenic (PMID: 33628209; Invitae). This suggests that this residue is clinically significant, and that variants that disrupt this residue are likely to be disease-causing. In summary, the currently available evidence indicates that the variant is pathogenic, but additional data are needed to prove that conclusively. Therefore, this variant has been classified as Likely Pathogenic.

Ambry Genetics
Classification: Uncertain significance for Inborn genetic diseases. Last evaluated: 2021-10-06. Review status: criteria provided, single submitter. Criteria: Ambry Variant Classification Scheme 2023. Collection method: clinical testing. Allele origin: germline. Not counted in ClinVar's aggregate classification.

Literature cited by the submitters: PubMed 33628209 (cited by Labcorp Genetics (formerly Invitae), Labcorp).

NM_000536.4(RAG2):c.302A>G (p.Asn101Ser)

Gene: RAG2 (recombination activating 2; minus strand). Cytogenetic location: 11p12.
Variant type: single nucleotide variant.
Coding change: c.302A>G on transcript NM_000536.4 (MANE Select); coding-DNA position 302, A replaced by G.
Protein change: p.Asn101Ser; replaces asparagine 101 with serine.
Molecular consequence: missense variant.
Genome position (GRCh38, 1-based): chr11:36,593,867, T>C on the plus strand (A>G on the coding strand, the complement: RAG2 is on the minus strand). VCF-style: chr11-36593867-T-C. GRCh37 (hg19) VCF-style: chr11-36615417-T-C.
Other names: NM_000536.4(RAG2):c.302A>G; p.Asn101Ser; c.302A>G, p.Asn101Ser (NM_001243785.2, NM_001243786.2); c.302A>G (NM_000536.3); short protein forms N101S.
Identifiers: ClinVar variation 2163677 (VCV002163677.6), dbSNP rs1485163794, ClinGen allele CA380143726.